The following is an entry in ClinVar:

NM_001382273.1(TNK2):c.1452-4A>C

Gene: TNK2 (tyrosine kinase non receptor 2; minus strand). Cytogenetic location: 3q29.
Variant type: single nucleotide variant.
Coding change: c.1452-4A>C on transcript NM_001382273.1 (MANE Select); 4 bases into the intron before coding-DNA position 1452, A replaced by C.
Molecular consequence: intron variant. On other transcripts: non-coding transcript variant (10).
Genome position (GRCh38, 1-based): chr3:195,870,209, T>G on the plus strand (A>C on the coding strand, the complement: TNK2 is on the minus strand). VCF-style: chr3-195870209-T-G. GRCh37 (hg19) VCF-style: chr3-195597080-T-G.
Other names: c.1452-4A>C (NM_001387720.1, NM_005781.5, NM_001386164.1 and 12 more transcripts); c.1524-4A>C (NM_001387715.1, NM_001387708.1, NM_001010938.2 and 1 more transcripts); c.1548-4A>C (NM_001308046.2, NM_001382271.1, NM_001382275.1 and 1 more transcripts).
Identifiers: ClinVar variation 4739937 (VCV004739937.1).

ClinVar aggregate classification (germline): Uncertain significance (1 of 4 stars; one submission).

Submission:

Labcorp Genetics (formerly Invitae), Labcorp
Classification: Uncertain significance. Last evaluated: 2025-10-04. Review status: criteria provided, single submitter. Criteria: Invitae Variant Classification Sherloc (09022015). Collection method: clinical testing. Allele origin: germline.
Comment: This sequence change falls in intron 10 of the TNK2 gene. It does not directly change the encoded amino acid sequence of the TNK2 protein. This variant is not present in population databases (gnomAD no frequency). This variant has not been reported in the literature in individuals affected with TNK2-related conditions. Algorithms developed to predict the effect of sequence changes on RNA splicing suggest that this variant may disrupt the consensus splice site. In summary, the available evidence is currently insufficient to determine the role of this variant in disease. Therefore, it has been classified as a Variant of Uncertain Significance.